The following is an entry in ClinVar:

ClinVar aggregate classification (germline): Pathogenic (1 of 4 stars; one submission).

Conditions:
Heterotopia, periventricular, X-linked dominant (PVNH1). Also called: PERIVENTRICULAR NODULAR HETEROTOPIA 1; X-linked periventricular heterotopia; PERIVENTRICULAR NODULAR HETEROTOPIA 4; HETEROTOPIA, PERIVENTRICULAR, 1. Identifiers: Orphanet 2149, Orphanet 82004, MedGen C1848213, MONDO:0010233, OMIM 300049.
Oto-palato-digital syndrome, type II (OPD2). Also called: OPD II SYNDROME; FACIOPALATOOSSEOUS SYNDROME; Otopalatodigital Syndrome, Type II; Otopalatodigital Syndrome Type 2 (FLNA-OPD2). Identifiers: Orphanet 669, Orphanet 90652, MedGen C1844696, MONDO:0010571, OMIM 304120.
Melnick-Needles syndrome (MNS). Also called: MELNICK-NEEDLES OSTEODYSPLASTY; OSTEODYSPLASTY OF MELNICK AND NEEDLES; Melnick-Needles Syndrome (FLNA-MNS). Identifiers: Orphanet 2484, MedGen C0025237, MONDO:0010650, OMIM 309350.
Frontometaphyseal dysplasia (FMD1). Identifiers: Orphanet 1826, MedGen C0265293, MONDO:0015942.

Submission:

Labcorp Genetics (formerly Invitae), Labcorp
Classification: Pathogenic for Oto-palato-digital syndrome, type II; Heterotopia, periventricular, X-linked dominant; Frontometaphyseal dysplasia; Melnick-Needles syndrome. Last evaluated: 2020-01-23. Review status: criteria provided, single submitter. Criteria: Invitae Variant Classification Sherloc (09022015). Collection method: clinical testing. Allele origin: germline.
Comment: This sequence change creates a premature translational stop signal (p.Gln989*) in the FLNA gene. It is expected to result in an absent or disrupted protein product. For these reasons, this variant has been classified as Pathogenic. Loss-of-function variants in FLNA are known to be pathogenic (PMID: 16684786, 20730588, 26471271). This variant has been observed in individual(s) with periventricular nodular heterotopia (PMID: 29738522). In at least one individual the variant was observed to be de novo. This variant is not present in population databases (ExAC no frequency).

Literature cited by the submitters: PubMed 16684786; PubMed 20730588; PubMed 26471271; PubMed 29738522.

NM_001110556.2(FLNA):c.2965C>T (p.Gln989Ter)

Gene: FLNA (filamin A; minus strand). Cytogenetic location: Xq28.
Variant type: single nucleotide variant.
Coding change: c.2965C>T on transcript NM_001110556.2 (MANE Select); coding-DNA position 2965, C replaced by T.
Protein change: p.Gln989Ter; replaces glutamine 989 with a stop codon.
Molecular consequence: nonsense.
Genome position (GRCh38, 1-based): chrX:154,361,550, G>A on the plus strand (C>T on the coding strand, the complement: FLNA is on the minus strand). VCF-style: chrX-154361550-G-A. GRCh37 (hg19) VCF-style: chrX-153589918-G-A.
Other names: c.2965C>T, p.Gln989Ter (NM_001456.4); short protein forms Q989*.
Identifiers: ClinVar variation 1075551 (VCV001075551.9), dbSNP rs1557178045, ClinGen allele CA415231127.
Genomic context (GRCh38, chrX:154,361,550, plus strand): 5'-CAATCTTGGATGCCACTTTGCCTTGACCACCAGCACCCTTTGATTTGACTGTGAACTCCT[G>A]GTCTTTGCCAACGTCCACCTCTGTGGAAACGATGAAAGGAAGGAGAGAGACATGACACCC-3'